The following is an entry in ClinVar:

NM_002691.4(POLD1):c.2821-3C>G

Gene: POLD1 (DNA polymerase delta 1, catalytic subunit; plus strand). Cytogenetic location: 19q13.33.
Variant type: single nucleotide variant.
Coding change: c.2821-3C>G on transcript NM_002691.4 (MANE Select); 3 bases into the intron before coding-DNA position 2821, C replaced by G.
Molecular consequence: intron variant.
Genome position (GRCh38, 1-based): chr19:50,416,393, C>G. VCF-style: chr19-50416393-C-G. GRCh37 (hg19) VCF-style: chr19-50919650-C-G.
Other names: c.2821-3C>G (NM_001256849.1); c.2899-3C>G (NM_001308632.1).
Identifiers: ClinVar variation 2699108 (VCV002699108.3), dbSNP rs2122489769, ClinGen allele CA2697552017.

ClinVar aggregate classification (germline): Uncertain significance (1 of 4 stars; one submission).

Conditions:
POLD1-related polyposis and colorectal cancer syndrome (CRCS10). Also called: Colorectal cancer 10; Colorectal cancer, susceptibility to, 10; COLORECTAL CANCER, SUSCEPTIBILITY TO, ON CHROMOSOME 19q. Identifiers: Orphanet 220460, MedGen C2675481, MONDO:0012953, OMIM 612591.

Submission:

Labcorp Genetics (formerly Invitae), Labcorp
Classification: Uncertain significance for POLD1-related polyposis and colorectal cancer syndrome. Last evaluated: 2023-06-09. Review status: criteria provided, single submitter. Criteria: Invitae Variant Classification Sherloc (09022015). Collection method: clinical testing. Allele origin: germline.
Comment: This sequence change falls in intron 22 of the POLD1 gene. It does not directly change the encoded amino acid sequence of the POLD1 protein. It affects a nucleotide within the consensus splice site. In summary, the available evidence is currently insufficient to determine the role of this variant in disease. Therefore, it has been classified as a Variant of Uncertain Significance. Variants that disrupt the consensus splice site are a relatively common cause of aberrant splicing (PMID: 17576681, 9536098). Algorithms developed to predict the effect of sequence changes on RNA splicing suggest that this variant may disrupt the consensus splice site. This variant has not been reported in the literature in individuals affected with POLD1-related conditions. This variant is not present in population databases (gnomAD no frequency).

Literature cited by the submitters: PubMed 17576681; PubMed 9536098.